The following is an entry in ClinVar:

NM_000179.3(MSH6):c.1634A>G (p.Lys545Arg)

Gene: MSH6 (mutS homolog 6; plus strand). Cytogenetic location: 2p16.3.
Variant type: single nucleotide variant.
Coding change: c.1634A>G on transcript NM_000179.3 (MANE Select); coding-DNA position 1634, A replaced by G.
Protein change: p.Lys545Arg; replaces lysine 545 with arginine.
Molecular consequence: missense variant.
Genome position (GRCh38, 1-based): chr2:47,799,617, A>G. VCF-style: chr2-47799617-A-G. GRCh37 (hg19) VCF-style: chr2-48026756-A-G.
Other names: c.1244A>G, p.Lys415Arg (NM_001281492.2); c.728A>G, p.Lys243Arg (NM_001281493.2, NM_001281494.2); short protein forms K545R, K415R, K243R.
Identifiers: ClinVar variation 629438 (VCV000629438.12), dbSNP rs1558662390, ClinGen allele CA346747174.

ClinVar aggregate classification (germline): Uncertain significance. Review status: criteria provided, multiple submitters, no conflicts (2 of 4 stars). 4 submissions from 4 submitters: Uncertain significance (4). Last evaluated 2024-10-25.

Conditions:
Hereditary cancer-predisposing syndrome. Also called: Neoplastic Syndromes, Hereditary; Tumor predisposition; Hereditary neoplastic syndrome; Hereditary Cancer Syndrome. Identifiers: Orphanet 140162, MedGen C0027672, MeSH D009386, MONDO:0015356.
Hereditary nonpolyposis colorectal neoplasms. Identifiers: MedGen C0009405, MeSH D003123.

Submissions (4):

Labcorp Genetics (formerly Invitae), Labcorp
Classification: Uncertain significance for Hereditary nonpolyposis colorectal neoplasms. Last evaluated: 2024-10-25. Review status: criteria provided, single submitter. Criteria: Invitae Variant Classification Sherloc (09022015). Collection method: clinical testing. Allele origin: germline.
Comment: This sequence change replaces lysine, which is basic and polar, with arginine, which is basic and polar, at codon 545 of the MSH6 protein (p.Lys545Arg). This variant is not present in population databases (gnomAD no frequency). This variant has not been reported in the literature in individuals affected with MSH6-related conditions. ClinVar contains an entry for this variant (Variation ID: 629438). Invitae Evidence Modeling of protein sequence and biophysical properties (such as structural, functional, and spatial information, amino acid conservation, physicochemical variation, residue mobility, and thermodynamic stability) indicates that this missense variant is not expected to disrupt MSH6 protein function with a negative predictive value of 95%. In summary, the available evidence is currently insufficient to determine the role of this variant in disease. Therefore, it has been classified as a Variant of Uncertain Significance.

Ambry Genetics
Classification: Uncertain significance for Hereditary cancer-predisposing syndrome. Last evaluated: 2024-01-08. Review status: criteria provided, single submitter. Criteria: Ambry Variant Classification Scheme 2023. Collection method: clinical testing. Allele origin: germline.
Comment: The p.K545R variant (also known as c.1634A>G), located in coding exon 4 of the MSH6 gene, results from an A to G substitution at nucleotide position 1634. The lysine at codon 545 is replaced by arginine, an amino acid with highly similar properties. This amino acid position is well conserved in available vertebrate species. In addition, the in silico prediction for this alteration is inconclusive. Since supporting evidence is limited at this time, the clinical significance of this alteration remains unclear.

Color Diagnostics, LLC DBA Color Health
Classification: Uncertain significance for Hereditary cancer-predisposing syndrome. Last evaluated: 2023-04-03. Review status: criteria provided, single submitter. Criteria: ACMG Guidelines, 2015. Collection method: clinical testing. Allele origin: germline.
Comment: This missense variant replaces lysine with arginine at codon 545 of the MSH6 protein. Computational prediction suggests that this variant may not impact protein structure and function (internally defined REVEL score threshold <= 0.5, PMID: 27666373). To our knowledge, functional studies have not been reported for this variant. This variant has not been reported in individuals affected with MSH6-related disorders in the literature. This variant has not been identified in the general population by the Genome Aggregation Database (gnomAD). The available evidence is insufficient to determine the role of this variant in disease conclusively. Therefore, this variant is classified as a Variant of Uncertain Significance.

Sema4
Classification: Uncertain significance for Hereditary cancer-predisposing syndrome. Last evaluated: 2022-03-04. Review status: criteria provided, single submitter. Criteria: Sema4 Curation Guidelines. Collection method: curation. Allele origin: germline.
Comment: The MSH6 c.1634A>G (p.K545R) variant has been reported in a large case-control study of breast cancer in 1/60466 cases and 0/53461 controls (PMID: 33471991). It was not observed in the large and broad cohorts of the Genome Aggregation Database (PMID: 32461654). This variant has been reported in ClinVar (Variation ID 629438). Functional studies have not been performed, and in silico predictions of the variant's effect on protein function are inconclusive. The evidence is insufficient to meet ACMG/AMP criteria for classifying the variant as benign or pathogenic. Thus, the clinical significance of this variant is currently uncertain.

Literature cited by the submitters: PubMed 33471991 (cited by Sema4).